The following is an entry in ClinVar:

ClinVar aggregate classification (germline): Uncertain significance (1 of 4 stars; one submission).

Conditions:
Spermatogenic failure 18. Identifiers: MedGen C4539783, MONDO:0054615, OMIM 617576.
Ciliary dyskinesia, primary, 37 (CILD37). Also called: CILIARY DYSKINESIA, PRIMARY, 37, WITH OR WITHOUT SITUS INVERSUS. Identifiers: MedGen C4539798, MONDO:0033204, OMIM 617577.

Allele frequency attached by ClinVar (database versions not stated): TOPMed below 0.00001; gnomAD 0.00001; ExAC 0.00004.

Submission:

Labcorp Genetics (formerly Invitae), Labcorp
Classification: Uncertain significance for Ciliary dyskinesia, primary, 37; Spermatogenic failure 18. Last evaluated: 2023-11-18. Review status: criteria provided, single submitter. Criteria: Invitae Variant Classification Sherloc (09022015). Collection method: clinical testing. Allele origin: germline.
Comment: This sequence change replaces leucine, which is neutral and non-polar, with phenylalanine, which is neutral and non-polar, at codon 349 of the DNAH1 protein (p.Leu349Phe). This variant is present in population databases (rs769993261, gnomAD 0.004%). This variant has not been reported in the literature in individuals affected with DNAH1-related conditions. An algorithm developed to predict the effect of missense changes on protein structure and function (PolyPhen-2) suggests that this variant is likely to be disruptive. In summary, the available evidence is currently insufficient to determine the role of this variant in disease. Therefore, it has been classified as a Variant of Uncertain Significance.

NM_015512.5(DNAH1):c.1045C>T (p.Leu349Phe)

Gene: DNAH1 (dynein axonemal heavy chain 1; plus strand). Cytogenetic location: 3p21.1.
Variant type: single nucleotide variant.
Coding change: c.1045C>T on transcript NM_015512.5 (MANE Select); coding-DNA position 1045, C replaced by T.
Protein change: p.Leu349Phe; replaces leucine 349 with phenylalanine.
Molecular consequence: missense variant.
Genome position (GRCh38, 1-based): chr3:52,332,153, C>T. VCF-style: chr3-52332153-C-T. GRCh37 (hg19) VCF-style: chr3-52366169-C-T.
Other names: short protein forms L349F.
Identifiers: ClinVar variation 2929144 (VCV002929144.3), dbSNP rs769993261, ClinGen allele CA2432862.